The following is an entry in ClinVar:

NM_032578.4(MYPN):c.2794A>G (p.Ile932Val)

Gene: MYPN (myopalladin; plus strand). Cytogenetic location: 10q21.3.
Variant type: single nucleotide variant.
Coding change: c.2794A>G on transcript NM_032578.4 (MANE Select); coding-DNA position 2794, A replaced by G.
Protein change: p.Ile932Val; replaces isoleucine 932 with valine.
Molecular consequence: missense variant. On other transcripts: non-coding transcript variant (2).
Genome position (GRCh38, 1-based): chr10:68,188,995, A>G. VCF-style: chr10-68188995-A-G. GRCh37 (hg19) VCF-style: chr10-69948752-A-G.
Other names: c.2794A>G, p.Ile932Val (NM_001256267.2); c.1912A>G, p.Ile638Val (NM_001256268.2); short protein forms I638V, I932V.
Identifiers: ClinVar variation 1464644 (VCV001464644.8), dbSNP rs2134257485, ClinGen allele CA376853474.

ClinVar aggregate classification (germline): Uncertain significance (1 of 4 stars; one submission).

Conditions:
Dilated cardiomyopathy 1KK (CMD1KK). Identifiers: Orphanet 154, Orphanet 75249, MedGen C3714995, MONDO:0014100, OMIM 615248.

Allele frequency attached by ClinVar (database versions not stated): gnomAD exomes 0.00001.

Submission:

Labcorp Genetics (formerly Invitae), Labcorp
Classification: Uncertain significance for Dilated cardiomyopathy 1KK. Last evaluated: 2025-06-02. Review status: criteria provided, single submitter. Criteria: Invitae Variant Classification Sherloc (09022015). Collection method: clinical testing. Allele origin: germline.
Comment: This sequence change replaces isoleucine, which is neutral and non-polar, with valine, which is neutral and non-polar, at codon 932 of the MYPN protein (p.Ile932Val). This variant is not present in population databases (gnomAD no frequency). This variant has not been reported in the literature in individuals affected with MYPN-related conditions. ClinVar contains an entry for this variant (Variation ID: 1464644). An algorithm developed to predict the effect of missense changes on protein structure and function outputs the following: PolyPhen-2: "Benign". The valine amino acid residue is found in multiple mammalian species, which suggests that this missense change does not adversely affect protein function. In summary, the available evidence is currently insufficient to determine the role of this variant in disease. Therefore, it has been classified as a Variant of Uncertain Significance.